The following is an entry in ClinVar:

NM_001378974.1(FBXW11):c.*25+1G>A

Gene: FBXW11 (F-box and WD repeat domain containing 11; minus strand). Cytogenetic location: 5q35.1.
Variant type: single nucleotide variant.
Coding change: c.*25+1G>A on transcript NM_001378974.1 (MANE Select); the canonical splice donor site of the intron after 25 bases downstream of the stop codon, G replaced by A.
Molecular consequence: splice donor variant.
Genome position (GRCh38, 1-based): chr5:171,868,609, C>T on the plus strand (G>A on the coding strand, the complement: FBXW11 is on the minus strand). VCF-style: chr5-171868609-C-T. GRCh37 (hg19) VCF-style: chr5-171295613-C-T.
Other names: c.*25+1G>A (NM_001378980.1, NM_033645.3, NM_033644.3 and 6 more transcripts).
Identifiers: ClinVar variation 3375918 (VCV003375918.1).
Genomic context (GRCh38, chr5:171,868,609, plus strand): 5'-TTTCCCCAAAGGGAAGGTGAATTCAATCAGCAAAATTGGAAGGGGAGAGGATAGTACTCA[C>T]CTGAAACGGGTGAAAGTGCAGACTGTTATCTAGAGATGTAAGTGTATGTTCTGGAGGGAG-3'

ClinVar aggregate classification (germline): Uncertain significance (1 of 4 stars; one submission).

Submission:

GeneDx
Classification: Uncertain significance. Last evaluated: 2024-05-10. Review status: criteria provided, single submitter. Criteria: GeneDx Variant Classification Process June 2021. Collection method: clinical testing. Allele origin: germline. Affected: yes.
Comment: Not observed at significant frequency in large population cohorts (gnomAD); Canonical splice site variant with an unclear effect on protein function; Has not been previously published as pathogenic or benign to our knowledge